The following is an entry in ClinVar:

NM_001079866.2(BCS1L):c.193A>C (p.Ser65Arg)

Gene: BCS1L (BCS1 ubiquinol-cytochrome c reductase complex chaperone; plus strand). Cytogenetic location: 2q35.
Variant type: single nucleotide variant.
Coding change: c.193A>C on transcript NM_001079866.2 (MANE Select); coding-DNA position 193, A replaced by C.
Protein change: p.Ser65Arg; replaces serine 65 with arginine.
Molecular consequence: missense variant. On other transcripts: 5 prime UTR variant (5), non-coding transcript variant (1), intron variant (3).
Genome position (GRCh38, 1-based): chr2:218,661,180, A>C. VCF-style: chr2-218661180-A-C. GRCh37 (hg19) VCF-style: chr2-219525903-A-C.
Other names: c.193A>C (NM_004328.4); c.193A>C, p.Ser65Arg (NM_001257342.2, NM_001257343.2, NM_001257344.2 and 10 more transcripts); c.-284A>C (NM_001371453.1, NM_001371454.1, NM_001371455.1 and 2 more transcripts); c.-40-226A>C (NM_001371451.1, NM_001318836.2); c.-41-579A>C (NM_001371452.1); short protein forms S65R.
Identifiers: ClinVar variation 1120065 (VCV001120065.8), dbSNP rs749184815, ClinGen allele CA2109617.

ClinVar aggregate classification (germline): Uncertain significance. Review status: criteria provided, multiple submitters, no conflicts (2 of 4 stars). 5 submissions from 5 submitters: Uncertain significance (4). 1 of the submissions does not count toward it. Last evaluated 2025-05-12.

Conditions:
Pili torti-deafness syndrome (BJS). Also called: Bjornstad syndrome; PILI TORTI AND NERVE DEAFNESS. Identifiers: Orphanet 123, MedGen C0266006, MONDO:0009872, OMIM 262000.
Mitochondrial complex III deficiency nuclear type 1. Identifiers: Orphanet 254902, MedGen C3541471, MONDO:0007415, OMIM 124000.
GRACILE syndrome (FLNMS). Also called: FELLMAN SYNDROME; FINNISH LETHAL NEONATAL METABOLIC SYNDROME. Identifiers: Orphanet 53693, MedGen C1864002, MONDO:0011308, OMIM 603358.

Allele frequency attached by ClinVar (database versions not stated): ExAC 0.00001; gnomAD exomes 0.00001 and 0.00002; TOPMed 0.00001; gnomAD 0.00002.
gnomAD v4.1: 13 of 1,614,074 alleles (0.00081%); highest among the groups gnomAD compares: Admixed American, 0.013%; no homozygotes.

Submissions (5):

GeneDx
Classification: Uncertain significance. Last evaluated: 2025-05-12. Review status: criteria provided, single submitter. Criteria: GeneDx Variant Classification Process June 2021. Collection method: clinical testing. Allele origin: germline. Affected: yes.
Comment: In silico analysis suggests that this missense variant does not alter protein structure/function; Has not been previously published as pathogenic or benign to our knowledge

Labcorp Genetics (formerly Invitae), Labcorp
Classification: Uncertain significance. Last evaluated: 2024-10-30. Review status: criteria provided, single submitter. Criteria: Invitae Variant Classification Sherloc (09022015). Collection method: clinical testing. Allele origin: germline.
Comment: This sequence change replaces serine, which is neutral and polar, with arginine, which is basic and polar, at codon 65 of the BCS1L protein (p.Ser65Arg). This variant is present in population databases (rs749184815, gnomAD 0.02%). This variant has not been reported in the literature in individuals affected with BCS1L-related conditions. ClinVar contains an entry for this variant (Variation ID: 1120065). Invitae Evidence Modeling of protein sequence and biophysical properties (such as structural, functional, and spatial information, amino acid conservation, physicochemical variation, residue mobility, and thermodynamic stability) indicates that this missense variant is not expected to disrupt BCS1L protein function with a negative predictive value of 95%. In summary, the available evidence is currently insufficient to determine the role of this variant in disease. Therefore, it has been classified as a Variant of Uncertain Significance.

Fulgent Genetics
Classification: Uncertain significance for Mitochondrial complex III deficiency nuclear type 1; Pili torti-deafness syndrome; GRACILE syndrome. Last evaluated: 2022-01-12. Review status: criteria provided, single submitter. Criteria: ACMG Guidelines, 2015. Collection method: clinical testing. Allele origin: unknown.

Laboratory for Molecular Medicine, Mass General Brigham Personalized Medicine
Classification: Uncertain significance. Last evaluated: 2021-01-05. Review status: criteria provided, single submitter. Criteria: LMM Criteria. Collection method: clinical testing. Allele origin: germline. Observed: 1 variant allele.
Comment: The p.Ser65Arg variant in BCSL1 has not been previously reported in individuals with Bjornstad syndrome but has been identified in 0.017% (6/35438) of Latino/Admixed American chromosomes by gnomAD. Computational prediction tools and conservation analysis suggest that this variant may not impact the protein, though this information is not predictive enough to rule out pathogenicity. In summary, the clinical significance of this variant is uncertain. ACMG/AMP criteria applied: PM2_Supporting, BP4.

Natera, Inc.
Classification: Uncertain significance for GRACILE syndrome. Last evaluated: 2021-01-19. Review status: no assertion criteria provided. Collection method: clinical testing. Allele origin: germline. Not counted in ClinVar's aggregate classification.